The following is an entry in ClinVar:

NM_004448.4(ERBB2):c.3647C>A (p.Ala1216Asp)

Gene: ERBB2 (erb-b2 receptor tyrosine kinase 2; plus strand). Cytogenetic location: 17q12.
Variant type: single nucleotide variant.
Coding change: c.3647C>A on transcript NM_004448.4 (MANE Select); coding-DNA position 3647, C replaced by A.
Protein change: p.Ala1216Asp; replaces alanine 1216 with aspartic acid.
Molecular consequence: missense variant. On other transcripts: 3 prime UTR variant (2), non-coding transcript variant (1).
Genome position (GRCh38, 1-based): chr17:39,727,923, C>A. VCF-style: chr17-39727923-C-A. GRCh37 (hg19) VCF-style: chr17-37884176-C-A.
Other names: c.3557C>A, p.Ala1186Asp (NM_001005862.3, NM_001382782.1, NM_001382783.1); c.3602C>A, p.Ala1201Asp (NM_001289936.2); c.*226C>A (NM_001289937.2, NM_001382803.1); c.3764C>A, p.Ala1255Asp (NM_001382784.1); c.3749C>A, p.Ala1250Asp (NM_001382785.1); c.3728C>A, p.Ala1243Asp (NM_001382786.1); c.3722C>A, p.Ala1241Asp (NM_001382787.1); c.3677C>A, p.Ala1226Asp (NM_001382788.1); and 16 more; short protein forms A1186D, A1216D, A1201D, A1130D, A1148D, A1154D, A1156D, A1164D.
Identifiers: ClinVar variation 134084 (VCV000134084.35), dbSNP rs55943169, ClinGen allele CA158677.

ClinVar aggregate classification (germline): Benign/Likely benign. Review status: criteria provided, multiple submitters, no conflicts (2 of 4 stars). 4 submissions from 4 submitters: Benign (2); Likely benign (1). 1 of the submissions does not count toward it. Last evaluated 2026-08-01.

Allele frequency attached by ClinVar (database versions not stated): 1000 Genomes Project 30x 0.00141; TOPMed 0.00413; ESP Exome Variant Server 0.00538; ExAC 0.00542; gnomAD 0.00565 and 0.00587; gnomAD exomes 0.00566 and 0.00751; 1000 Genomes Project 0.00140.
gnomAD v4.1: 11,716 of 1,614,188 alleles (0.73%); highest among the groups gnomAD compares: Non-Finnish European, 0.83%; 65 homozygotes.

Submissions (4):

CeGaT Center for Human Genetics Tuebingen
Classification: Likely benign. Last evaluated: 2026-08-01. Review status: criteria provided, single submitter. Criteria: CeGaT Center For Human Genetics Tuebingen Variant Classification Criteria Version 2. Collection method: clinical testing. Allele origin: germline. Affected: yes. Observed: 5 variant alleles.
Comment: ERBB2: PP3, BS2

Labcorp Genetics (formerly Invitae), Labcorp
Classification: Benign. Last evaluated: 2026-02-03. Review status: criteria provided, single submitter. Criteria: Invitae Variant Classification Sherloc (09022015). Collection method: clinical testing. Allele origin: germline.

Breakthrough Genomics
Classification: Benign. Review status: criteria provided, single submitter. Criteria: ACMG Guidelines, 2015. Collection method: not provided. Allele origin: germline. Inheritance: Autosomal recessive inheritance. Affected: yes.

ITMI
No classification provided. Condition: AllHighlyPenetrant. Last evaluated: 2013-09-19. Review status: no classification provided. Collection method: reference population. Allele origin: germline. Not counted in ClinVar's aggregate classification.
Comment: Please see associated publication for description of ethnicities

Literature cited by the submitters: PubMed 24728327 (cited by ITMI).